The following is an entry in ClinVar:

NM_001943.5(DSG2):c.1189G>A (p.Val397Ile)

Gene: DSG2 (desmoglein 2; plus strand). Cytogenetic location: 18q12.1.
Variant type: single nucleotide variant.
Coding change: c.1189G>A on transcript NM_001943.5 (MANE Select); coding-DNA position 1189, G replaced by A.
Protein change: p.Val397Ile; replaces valine 397 with isoleucine.
Molecular consequence: missense variant.
Genome position (GRCh38, 1-based): chr18:31,531,161, G>A. VCF-style: chr18-31531161-G-A. GRCh37 (hg19) VCF-style: chr18-29111124-G-A.
Other names: short protein forms V397I.
Identifiers: ClinVar variation 3221934 (VCV003221934.1), dbSNP rs2510915394, ClinGen allele CA402139086.

ClinVar aggregate classification (germline): Uncertain significance (1 of 4 stars; one submission).

Conditions:
Cardiovascular phenotype. Identifiers: MedGen CN230736.

Allele frequency attached by ClinVar (database versions not stated): gnomAD exomes below 0.00001.
gnomAD v4.1: 1 of 1,614,160 alleles (0.000062%); highest among the groups gnomAD compares: African/African-American, 0.0013%; no homozygotes.

Submission:

Ambry Genetics
Classification: Uncertain significance for Cardiovascular phenotype. Last evaluated: 2024-01-01. Review status: criteria provided, single submitter. Criteria: Ambry Variant Classification Scheme 2023. Collection method: clinical testing. Allele origin: germline.
Comment: The p.V397I variant (also known as c.1189G>A), located in coding exon 9 of the DSG2 gene, results from a G to A substitution at nucleotide position 1189. The valine at codon 397 is replaced by isoleucine, an amino acid with highly similar properties. This amino acid position is conserved. In addition, this alteration is predicted to be tolerated by in silico analysis. Since supporting evidence is limited at this time, the clinical significance of this alteration remains unclear.